The following is an entry in ClinVar:

ClinVar aggregate classification (germline): Pathogenic/Likely pathogenic. Review status: criteria provided, multiple submitters, no conflicts (2 of 4 stars). 12 submissions from 12 submitters: Pathogenic (6); Likely pathogenic (6). Last evaluated 2026-03-11.

Conditions:
Seizures-scoliosis-macrocephaly syndrome. Also called: Seizures, scoliosis, and macrocephaly syndrome; SEIZURES, SCOLIOSIS, AND MACROCEPHALY/MICROCEPHALY SYNDROME. Identifiers: Orphanet 466926, MedGen C4225248, MONDO:0014731, OMIM 616682.
Exostoses, multiple, type 2 (EXT2). Also called: Hereditary Multiple Osteochondromatosis, Type II; EXOSTOSES, MULTIPLE, TYPE II. Identifiers: Orphanet 321, MedGen C1851413, MONDO:0007586, OMIM 133701.
Inborn genetic diseases. Identifiers: MedGen C0950123, MeSH D030342.

Allele frequency attached by ClinVar (database versions not stated): ExAC 0.00005; gnomAD 0.00003 and 0.00004; TOPMed 0.00003; gnomAD exomes 0.00004.
gnomAD v4.1: 93 of 1,613,942 alleles (0.0058%); highest among the groups gnomAD compares: Non-Finnish European, 0.0069%; no homozygotes.

Submissions (12):

Institute of Human Genetics, Heidelberg University
Classification: Likely pathogenic for Exostoses, multiple, type 2. Last evaluated: 2026-03-11. Review status: criteria provided, single submitter. Criteria: ACMG Guidelines, 2015. Collection method: clinical testing. Allele origin: paternal. Affected: yes. Observed: 2 variant alleles.
Comment: PVS1, PS4_sup

Labcorp Genetics (formerly Invitae), Labcorp
Classification: Pathogenic for Exostoses, multiple, type 2. Last evaluated: 2025-12-03. Review status: criteria provided, single submitter. Criteria: Invitae Variant Classification Sherloc (09022015). Collection method: clinical testing. Allele origin: germline.
Comment: This sequence change creates a premature translational stop signal (p.Arg649*) in the EXT2 gene. It is expected to result in an absent or disrupted protein product. Loss-of-function variants in EXT2 are known to be pathogenic (PMID: 10679937, 19810120). This variant is present in population databases (rs765648513, gnomAD 0.007%). This premature translational stop signal has been observed in individual(s) with multiple osteochondromas (PMID: 19344451). Invitae Evidence Modeling of clinical and family history, age, sex, and reported ancestry of multiple individuals with this EXT2 variant has been performed. This variant is expected to be pathogenic with a positive predictive value of at least 99%. This is a validated machine learning model that incorporates the clinical features of 66,185 individuals referred to our laboratory for EXT2 testing. ClinVar contains an entry for this variant (Variation ID: 838313). For these reasons, this variant has been classified as Pathogenic.

GeneDx
Classification: Likely pathogenic. Last evaluated: 2025-08-29. Review status: criteria provided, single submitter. Criteria: GeneDx Variant Classification Process June 2021. Collection method: clinical testing. Allele origin: germline. Affected: yes.
Comment: Nonsense variant predicted to result in protein truncation or nonsense mediated decay in a gene for which loss of function is a known mechanism of disease; This variant is associated with the following publications: (PMID: 25525159, 26689913, 36451132, 29625052, 19344451)

Variantyx, Inc.
Classification: Likely pathogenic for Seizures-scoliosis-macrocephaly syndrome. Last evaluated: 2025-07-27. Review status: criteria provided, single submitter. Criteria: Variantyx Assertion Criteria 2022. Collection method: clinical testing. Allele origin: germline. Inheritance: Autosomal recessive inheritance. Affected: no.
Comment: This is a nonsense variant in the EXT2 gene (OMIM: 608210). Pathogenic variants in this gene have been associated with autosomal recessive seizures, scoliosis, and macrocephaly syndrome. This variant introduces a premature termination codon in exon 13 out of 14 and is expected to result in loss of function, which is a known disease mechanism for EXT2 in this disorder (PMID: 26246518) (PVS1). This variant has a 0.0069% maximum allele frequency in non-founder control populations (PM2). Based on the current evidence, this variant is classified as likely pathogenic for autosomal recessive seizures, scoliosis, and macrocephaly syndrome.No other variant of clinical significance was identified in the EXT2 gene.

Institute for Genomic Medicine (IGM) Clinical Laboratory, Nationwide Children's Hospital
Classification: Pathogenic for Exostoses, multiple, type 2. Last evaluated: 2025-06-11. Review status: criteria provided, single submitter. Criteria: ACMG Guidelines, 2015. Collection method: clinical testing. Allele origin: germline.
Comment: This variant is predicted to result in loss of function through nonsense-mediated decay of the encoded transcript or premature truncation of the encoded protein in a gene in which loss of function is a known mechanism of disease (ACMG/AMP: PVS1; PMIDs:10679937, 19344451). This variant has been reported at an elevated frequency in affected individuals/in multiple affected individuals in the literature (ACMG/AMP: PS4_Supporting; PMID:19344451). This variant is absent from or present at an exceedingly low frequency in gnomAD, a large-scale control population database (ACMG/AMP: PM2).

Ambry Genetics
Classification: Pathogenic for Inborn genetic diseases. Last evaluated: 2024-10-15. Review status: criteria provided, single submitter. Criteria: Ambry Variant Classification Scheme 2023. Collection method: clinical testing. Allele origin: germline.
Comment: The c.1945C>T (p.R649*) alteration, located in exon 13 (coding exon 12) of the EXT2 gene, consists of a C to T substitution at nucleotide position 1945. This changes the amino acid from a arginine (R) to a stop codon at amino acid position 649. This alteration is expected to result in loss of function by premature protein truncation or nonsense-mediated mRNA decay. Based on data from gnomAD, the T allele has an overall frequency of 0.004% (9/250920) total alleles studied. The highest observed frequency was 0.006% (7/113308) of European (non-Finnish) alleles. This variant was reported in an individual in a multiple osteochondroma cohort, but clinical details were limited (Heinritz, 2009). Based on the available evidence, this alteration is classified as pathogenic.

Baylor Genetics
Classification: Pathogenic for Exostoses, multiple, type 2. Last evaluated: 2023-10-22. Review status: criteria provided, single submitter. Criteria: ACMG Guidelines, 2015. Collection method: clinical testing. Allele origin: unknown.

St. Jude Molecular Pathology, St. Jude Children's Research Hospital
Classification: Likely pathogenic for Exostoses, multiple, type 2. Last evaluated: 2023-05-31. Review status: criteria provided, single submitter. Criteria: St. Jude Assertion Criteria 2020. Collection method: clinical testing. Allele origin: germline.
Comment: The EXT2 c.2044C>T (p.Arg682Ter) change is a nonsense variant that is predicted to cause premature protein truncation or absence of protein due to nonsense-mediated decay. This variant has been reported in an individual with multiple osteochondromas (PMID: 19344451). This variant has a maximum subpopulation frequency of 0.006% in gnomAD v2.1.1. This variant corresponds to NM_207122.1:c.1945C>T (p.Arg649Ter) in the MANE select transcript. In summary, this variant meets criteria to be classified as likely pathogenic.

CeGaT Center for Human Genetics Tuebingen
Classification: Likely pathogenic. Last evaluated: 2022-08-01. Review status: criteria provided, single submitter. Criteria: CeGaT Center For Human Genetics Tuebingen Variant Classification Criteria Version 2. Collection method: clinical testing. Allele origin: germline. Affected: yes. Observed: 2 variant alleles.
Comment: EXT2: PVS1, PS4:Supporting

Greenwood Genetic Center Diagnostic Laboratories, Greenwood Genetic Center
Classification: Likely pathogenic for Exostoses, multiple, type 2; Seizures-scoliosis-macrocephaly syndrome. Last evaluated: 2022-01-11. Review status: criteria provided, single submitter. Criteria: ACMG Guidelines, 2015. Collection method: clinical testing. Allele origin: germline. Affected: yes.
Comment: PVS1, PM2, PS4_Supporiting

Clinical Genetics Service, Universitary Hospital 12 de Octubre
Classification: Pathogenic for Exostoses, multiple, type 2. Review status: criteria provided, single submitter. Criteria: ACMG Guidelines, 2015. Collection method: clinical testing. Allele origin: paternal. Affected: yes.

Juno Genomics, Hangzhou Juno Genomics, Inc
Classification: Pathogenic for Seizures-scoliosis-macrocephaly syndrome; Exostoses, multiple, type 2. Review status: criteria provided, single submitter. Criteria: ACMG Guidelines, 2015. Collection method: clinical testing. Allele origin: germline.
Comment: Absent from controls (or at extremely low frequency if recessive) in Genome Aggregation Database.;Null variant in a gene where loss of function (LOF) is a known mechanism of disease.;The prevalence of the variant in affected individuals is significantly increased compared to the prevalence in controls.;Patient's phenotype or family history is highly specific for a disease with a single genetic etiology.

Literature cited by the submitters: PubMed 10679937 (cited by Labcorp Genetics (formerly Invitae), Labcorp and Institute for Genomic Medicine (IGM) Clinical Laboratory, Nationwide Children's Hospital); PubMed 19810120 (cited by Labcorp Genetics (formerly Invitae), Labcorp); PubMed 19344451 (cited by 3 submitters); PubMed 26246518 (cited by Variantyx, Inc.).

NM_207122.2(EXT2):c.1945C>T (p.Arg649Ter)

Gene: EXT2 (exostosin glycosyltransferase 2; plus strand). Cytogenetic location: 11p11.2.
Variant type: single nucleotide variant.
Coding change: c.1945C>T on transcript NM_207122.2 (MANE Select); coding-DNA position 1945, C replaced by T.
Protein change: p.Arg649Ter; replaces arginine 649 with a stop codon.
Molecular consequence: nonsense.
Genome position (GRCh38, 1-based): chr11:44,236,302, C>T. VCF-style: chr11-44236302-C-T. GRCh37 (hg19) VCF-style: chr11-44257852-C-T.
Other names: c.2044C>T, p.Arg682Ter (NM_000401.3); c.1975C>T, p.Arg659Ter (NM_001178083.3); c.1945C>T, p.Arg649Ter (NM_001389628.1, NM_001389630.1); short protein forms R682*, R649*, R659*.
Identifiers: ClinVar variation 838313 (VCV000838313.67), dbSNP rs765648513, ClinGen allele CA5955411.